The following is an entry in ClinVar:

NM_001267550.2(TTN):c.106531+5G>T

Genes: TTN-AS1 (TTN antisense RNA 1; plus strand), TTN (titin; minus strand). Cytogenetic location: 2q31.2.
Variant type: single nucleotide variant.
Coding change: c.106531+5G>T on transcript NM_001267550.2 (MANE Select); 5 bases into the intron after coding-DNA position 106531, G replaced by T.
Molecular consequence: intron variant.
Genome position (GRCh38, 1-based): chr2:178,529,955, C>A on the plus strand (G>T on the coding strand, the complement: TTN is on the minus strand). VCF-style: chr2-178529955-C-A. GRCh37 (hg19) VCF-style: chr2-179394682-C-A.
Other names: c.79336+5G>T (NM_003319.4); c.79912+5G>T (NM_133437.4); c.79711+5G>T (NM_133432.3); c.98827+5G>T (NM_133378.4); c.101608+5G>T (NM_001256850.1).
Identifiers: ClinVar variation 2186908 (VCV002186908.4), dbSNP rs2468348060, ClinGen allele CA2580064914.

ClinVar aggregate classification (germline): Uncertain significance (1 of 4 stars; one submission).

Conditions:
Dilated cardiomyopathy 1G (CMD1G). Identifiers: Orphanet 154, MedGen C1858763, MONDO:0011400, OMIM 604145.
Autosomal recessive limb-girdle muscular dystrophy type 2J (LGMDR10). Also called: Limb-girdle muscular dystrophy, type 2J; MUSCULAR DYSTROPHY, LIMB-GIRDLE, AUTOSOMAL RECESSIVE 10. Identifiers: Orphanet 140922, MedGen C1837342, MONDO:0012127, OMIM 608807.

Submission:

Labcorp Genetics (formerly Invitae), Labcorp
Classification: Uncertain significance for Dilated cardiomyopathy 1G; Autosomal recessive limb-girdle muscular dystrophy type 2J. Last evaluated: 2023-06-04. Review status: criteria provided, single submitter. Criteria: Invitae Variant Classification Sherloc (09022015). Collection method: clinical testing. Allele origin: germline.
Comment: This variant is not present in population databases (gnomAD no frequency). This variant has not been reported in the literature in individuals affected with TTN-related conditions. ClinVar contains an entry for this variant (Variation ID: 2186908). Variants that disrupt the consensus splice site are a relatively common cause of aberrant splicing (PMID: 17576681, 9536098). Algorithms developed to predict the effect of sequence changes on RNA splicing suggest that this variant may disrupt the consensus splice site. This sequence change falls in intron 359 of the TTN gene. It does not directly change the encoded amino acid sequence of the TTN protein. It affects a nucleotide within the consensus splice site. This variant is located in the M band of TTN (PMID: 25589632). Variants in this region may be relevant for neuromuscular disorders, but have not been definitively shown to cause cardiomyopathy (PMID: 23975875). In summary, the available evidence is currently insufficient to determine the role of this variant in disease. Therefore, it has been classified as a Variant of Uncertain Significance.

Literature cited by the submitters: PubMed 17576681; PubMed 9536098; PubMed 25589632; PubMed 23975875.